The following is an entry in ClinVar:

NM_001042492.3(NF1):c.5285T>C (p.Val1762Ala)

Gene: NF1 (neurofibromin 1; plus strand). Cytogenetic location: 17q11.2.
Variant type: single nucleotide variant.
Coding change: c.5285T>C on transcript NM_001042492.3 (MANE Select); coding-DNA position 5285, T replaced by C.
Protein change: p.Val1762Ala; replaces valine 1762 with alanine.
Molecular consequence: missense variant.
Genome position (GRCh38, 1-based): chr17:31,327,515, T>C. VCF-style: chr17-31327515-T-C. GRCh37 (hg19) VCF-style: chr17-29654533-T-C.
Other names: c.5222T>C, p.Val1741Ala (NM_000267.4); short protein forms V1741A, V1762A.
Identifiers: ClinVar variation 951354 (VCV000951354.6), dbSNP rs1555533550, ClinGen allele CA399008937.

ClinVar aggregate classification (germline): Uncertain significance (1 of 4 stars; one submission).

Conditions:
Neurofibromatosis, type 1 (NF1). Also called: VON RECKLINGHAUSEN DISEASE; NEUROFIBROMATOSIS, TYPE I, SOMATIC; Peripheral type neurofibromatosis; Neurofibromatosis, type I. Identifiers: Orphanet 636, MedGen C0027831, MONDO:0018975, OMIM 162200. Disease mechanism: loss of function.

Submission:

Labcorp Genetics (formerly Invitae), Labcorp
Classification: Uncertain significance for Neurofibromatosis, type 1. Last evaluated: 2019-07-02. Review status: criteria provided, single submitter. Criteria: Invitae Variant Classification Sherloc (09022015). Collection method: clinical testing. Allele origin: germline.
Comment: This sequence change replaces valine with alanine at codon 1741 of the NF1 protein (p.Val1741Ala). The valine residue is moderately conserved and there is a small physicochemical difference between valine and alanine. This variant is not present in population databases (ExAC no frequency). This variant has not been reported in the literature in individuals with NF1-related conditions. Algorithms developed to predict the effect of missense changes on protein structure and function (SIFT, PolyPhen-2, Align-GVGD) all suggest that this variant is likely to be tolerated, but these predictions have not been confirmed by published functional studies and their clinical significance is uncertain. In summary, the available evidence is currently insufficient to determine the role of this variant in disease. Therefore, it has been classified as a Variant of Uncertain Significance.